The following is an entry in ClinVar:

ClinVar aggregate classification (germline): Uncertain significance (1 of 4 stars; one submission).

Conditions:
UROS-related disorder. Also called: UROS-related condition.

Submission:

PreventionGenetics, part of Exact Sciences
Classification: Uncertain significance for UROS-related condition. Last evaluated: 2024-11-25. Review status: criteria provided, single submitter. Criteria: ACMG Guidelines, 2015. Collection method: clinical testing. Allele origin: germline.
Comment: The UROS c.-202G>T variant is located in the 5' untranslated region. To our knowledge, this variant has not been reported in the literature or in a large population database (gnomAD), indicating this variant is rare. At this time, the clinical significance of this variant is uncertain due to the absence of conclusive functional and genetic evidence.

NM_000375.3(UROS):c.-202G>T

Gene: UROS (uroporphyrinogen III synthase; minus strand). Cytogenetic location: 10q26.2.
Variant type: single nucleotide variant.
Coding change: c.-202G>T on transcript NM_000375.3 (MANE Select); 202 bases upstream of the start codon, G replaced by T.
Molecular consequence: 5 prime UTR variant. On other transcripts: non-coding transcript variant (4).
Genome position (GRCh38, 1-based): chr10:125,823,204, C>A on the plus strand (G>T on the coding strand, the complement: UROS is on the minus strand). VCF-style: chr10-125823204-C-A. GRCh37 (hg19) VCF-style: chr10-127511773-C-A.
Other names: c.-202G>T (NM_001324036.2, NM_001324037.2, NM_001324038.2 and 1 more transcripts).
Identifiers: ClinVar variation 4982032 (VCV004982032.1).
Genomic context (GRCh38, chr10:125,823,204, plus strand): 5'-CCCCTCCCCACGCAGCCCGAGGGGCCGCGGCGGCCACCCGCGCCGGGCCCCAGGACCCCG[C>A]ACCTCAGACTGGGGTCGCGTGGGTGGCTGCGCGCAGCTAGGCGCTCGCGCATGCGCACCG-3'